The following is an entry in ClinVar:

NM_000061.3(BTK):c.1720T>C (p.Phe574Leu)

Gene: BTK (Bruton tyrosine kinase; minus strand). Cytogenetic location: Xq22.1.
Variant type: single nucleotide variant.
Coding change: c.1720T>C on transcript NM_000061.3 (MANE Select); coding-DNA position 1720, T replaced by C.
Protein change: p.Phe574Leu; replaces phenylalanine 574 with leucine.
Molecular consequence: missense variant.
Genome position (GRCh38, 1-based): chrX:101,353,900, A>G on the plus strand (T>C on the coding strand, the complement: BTK is on the minus strand). VCF-style: chrX-101353900-A-G. GRCh37 (hg19) VCF-style: chrX-100608888-A-G.
Other names: c.1822T>C, p.Phe608Leu (NM_001287344.2); c.1192T>C, p.Phe398Leu (NM_001287345.2); short protein forms F398L, F574L, F608L.
Identifiers: ClinVar variation 843976 (VCV000843976.10), dbSNP rs1926379592, ClinGen allele CA413920203.

ClinVar aggregate classification (germline): Uncertain significance (1 of 4 stars; one submission).

Conditions:
X-linked agammaglobulinemia with growth hormone deficiency (IGHD3). Also called: ISOLATED GROWTH HORMONE DEFICIENCY, TYPE III, WITH AGAMMAGLOBULINEMIA; FLEISHER SYNDROME; HYPOGAMMAGLOBULINEMIA AND ISOLATED GROWTH HORMONE DEFICIENCY, X-LINKED; IGHD III; AGAMMAGLOBULINEMIA AND ISOLATED GROWTH HORMONE DEFICIENCY, X-LINKED; Isolated growth hormone deficiency type 3. Identifiers: Orphanet 231692, Orphanet 631, MedGen C0472813, MONDO:0010615, OMIM 307200.

Submission:

Labcorp Genetics (formerly Invitae), Labcorp
Classification: Uncertain significance for X-linked agammaglobulinemia with growth hormone deficiency. Last evaluated: 2019-05-02. Review status: criteria provided, single submitter. Criteria: Invitae Variant Classification Sherloc (09022015). Collection method: clinical testing. Allele origin: germline.
Comment: In summary, the available evidence is currently insufficient to determine the role of this variant in disease. Therefore, it has been classified as a Variant of Uncertain Significance. Algorithms developed to predict the effect of missense changes on protein structure and function are either unavailable or do not agree on the potential impact of this missense change (SIFT: "Deleterious"; PolyPhen-2: "Possibly Damaging"; Align-GVGD: "Class C15"). In addition, a different sequence change (c.1722C>G) giving rise to this same missense variant (p.Phe574Leu) has been observed in a cohort of individuals with X-linked agammaglobulinemia (PMID: 16297664). This variant is not present in population databases (ExAC no frequency). This sequence change replaces phenylalanine with leucine at codon 574 of the BTK protein (p.Phe574Leu). The phenylalanine residue is highly conserved and there is a small physicochemical difference between phenylalanine and leucine.

Literature cited by the submitters: PubMed 16297664.